The following is an entry in ClinVar:

NM_014679.5(CEP57):c.1064G>T (p.Gly355Val)

Gene: CEP57 (centrosomal protein 57; plus strand). Cytogenetic location: 11q21.
Variant type: single nucleotide variant.
Coding change: c.1064G>T on transcript NM_014679.5 (MANE Select); coding-DNA position 1064, G replaced by T.
Protein change: p.Gly355Val; replaces glycine 355 with valine.
Molecular consequence: missense variant.
Genome position (GRCh38, 1-based): chr11:95,827,964, G>T. VCF-style: chr11-95827964-G-T. GRCh37 (hg19) VCF-style: chr11-95561128-G-T.
Other names: c.1037G>T, p.Gly346Val (NM_001243776.2); c.986G>T, p.Gly329Val (NM_001243777.2); c.983G>T, p.Gly328Val (NM_001363604.2, NM_001440869.1, NM_001440870.1); c.956G>T, p.Gly319Val (NM_001440871.1); c.947G>T, p.Gly316Val (NM_001440872.1); c.884G>T, p.Gly295Val (NM_001440873.1); c.878G>T, p.Gly293Val (NM_001440874.1); c.875G>T, p.Gly292Val (NM_001440875.1); and 6 more; short protein forms G254V, G256V, G268V, G280V, G289V, G290V, G292V, G293V.
Identifiers: ClinVar variation 4868744 (VCV004868744.1).

ClinVar aggregate classification (germline): Uncertain significance (1 of 4 stars; one submission).

Conditions:
Inborn genetic diseases. Identifiers: MedGen C0950123, MeSH D030342.

gnomAD v4.1: 4 of 1,613,954 alleles (0.00025%); highest among the groups gnomAD compares: Non-Finnish European, 0.00034%; no homozygotes.

Submission:

Ambry Genetics
Classification: Uncertain significance for Inborn genetic diseases. Last evaluated: 2026-03-29. Review status: criteria provided, single submitter. Criteria: Ambry Variant Classification Scheme 2023. Collection method: clinical testing. Allele origin: germline.
Comment: The p.G355V variant (also known as c.1064G>T), located in coding exon 9 of the CEP57 gene, results from a G to T substitution at nucleotide position 1064. The glycine at codon 355 is replaced by valine, an amino acid with dissimilar properties. This amino acid position is conserved. In addition, this alteration is predicted to be tolerated by in silico analysis. Based on the available evidence, the clinical significance of this variant remains unclear.